The following is an entry in ClinVar:

NM_080680.3(COL11A2):c.2185C>T (p.Arg729Trp)

Gene: COL11A2 (collagen type XI alpha 2 chain; minus strand). Cytogenetic location: 6p21.32.
Variant type: single nucleotide variant.
Coding change: c.2185C>T on transcript NM_080680.3 (MANE Select); coding-DNA position 2185, C replaced by T.
Protein change: p.Arg729Trp; replaces arginine 729 with tryptophan.
Molecular consequence: missense variant.
Genome position (GRCh38, 1-based): chr6:33,176,288, G>A on the plus strand (C>T on the coding strand, the complement: COL11A2 is on the minus strand). VCF-style: chr6-33176288-G-A. GRCh37 (hg19) VCF-style: chr6-33144065-G-A.
Other names: c.2185C>T (NM_080680.2); c.1864C>T, p.Arg622Trp (NM_080679.3); c.1927C>T, p.Arg643Trp (NM_080681.3); short protein forms R622W, R729W, R643W.
Identifiers: ClinVar variation 1374066 (VCV001374066.9), dbSNP rs1180335400, ClinGen allele CA363649305.

ClinVar aggregate classification (germline): Uncertain significance. Review status: criteria provided, multiple submitters, no conflicts (2 of 4 stars). 5 submissions from 5 submitters: Uncertain significance (5). Last evaluated 2026-08-19.

Conditions:
COL11A2-related disorder. Also called: COL11A2-related condition; COL11A2-related disorders.
Inborn genetic diseases. Identifiers: MedGen C0950123, MeSH D030342.

Allele frequency attached by ClinVar (database versions not stated): gnomAD 0.00001; gnomAD exomes 0.00001; TOPMed 0.00002.
gnomAD v4.1: 13 of 1,606,990 alleles (0.00081%); highest among the groups gnomAD compares: Admixed American, 0.0017%; no homozygotes.

Submissions (5):

PreventionGenetics, part of Exact Sciences
Classification: Uncertain significance for COL11A2-related condition. Last evaluated: 2026-08-19. Review status: criteria provided, single submitter. Criteria: ACMG Guidelines, 2015. Collection method: clinical testing. Allele origin: germline.
Comment: The COL11A2 c.2185C>T variant is predicted to result in the amino acid substitution p.Arg729Trp. To our knowledge, this variant has not been reported in the literature. This variant is also absent from one large public population database (gnomAD). At this time, the clinical significance of this variant is uncertain due to the absence of conclusive functional and genetic evidence.

Labcorp Genetics (formerly Invitae), Labcorp
Classification: Uncertain significance. Last evaluated: 2025-10-28. Review status: criteria provided, single submitter. Criteria: Invitae Variant Classification Sherloc (09022015). Collection method: clinical testing. Allele origin: germline.
Comment: This sequence change replaces arginine, which is basic and polar, with tryptophan, which is neutral and slightly polar, at codon 729 of the COL11A2 protein (p.Arg729Trp). This variant is not present in population databases (gnomAD no frequency). This variant has not been reported in the literature in individuals affected with COL11A2-related conditions. ClinVar contains an entry for this variant (Variation ID: 1374066). Invitae Evidence Modeling of protein sequence and biophysical properties (such as structural, functional, and spatial information, amino acid conservation, physicochemical variation, residue mobility, and thermodynamic stability) indicates that this missense variant is not expected to disrupt COL11A2 protein function with a negative predictive value of 95%. In summary, the available evidence is currently insufficient to determine the role of this variant in disease. Therefore, it has been classified as a Variant of Uncertain Significance.

Ambry Genetics
Classification: Uncertain significance for Inborn genetic diseases. Last evaluated: 2024-12-05. Review status: criteria provided, single submitter. Criteria: Ambry Variant Classification Scheme 2023. Collection method: clinical testing. Allele origin: germline.

GeneDx
Classification: Uncertain significance. Last evaluated: 2024-02-21. Review status: criteria provided, single submitter. Criteria: GeneDx Variant Classification Process June 2021. Collection method: clinical testing. Allele origin: germline. Affected: yes.
Comment: Not observed at significant frequency in large population cohorts (gnomAD); In silico analysis supports that this missense variant has a deleterious effect on protein structure/function; Has not been previously published as pathogenic or benign to our knowledge

Blueprint Genetics
Classification: Uncertain significance. Last evaluated: 2022-02-03. Review status: criteria provided, single submitter. Criteria: ACMG Guidelines, 2015. Collection method: clinical testing. Allele origin: germline.